The following is an entry in ClinVar:

NM_001035.3(RYR2):c.6441-4C>G

Gene: RYR2 (ryanodine receptor 2; plus strand). Cytogenetic location: 1q43.
Variant type: single nucleotide variant.
Coding change: c.6441-4C>G on transcript NM_001035.3 (MANE Select); 4 bases into the intron before coding-DNA position 6441, C replaced by G.
Molecular consequence: intron variant.
Genome position (GRCh38, 1-based): chr1:237,631,423, C>G. VCF-style: chr1-237631423-C-G. GRCh37 (hg19) VCF-style: chr1-237794723-C-G.
Identifiers: ClinVar variation 3232407 (VCV003232407.1), dbSNP rs2546906419, ClinGen allele CA2651204298.
Genomic context (GRCh38, chr1:237,631,423, plus strand): 5'-GAACTTGGTTAACTATTTAGATGTTGCTCTGAGCTTTACCCCATACGTCCATTGTCCTTT[C>G]TAGGGATATTATGAATAACAAAGTGTTTTACCAGCACCCTAATCTCATGAGGGCACTGGG-3'

ClinVar aggregate classification (germline): Uncertain significance (1 of 4 stars; one submission).

Conditions:
Cardiovascular phenotype. Identifiers: MedGen CN230736.

Allele frequency attached by ClinVar (database versions not stated): gnomAD exomes below 0.00001.
gnomAD v4.1: 2 of 1,595,078 alleles (0.00013%); highest among the groups gnomAD compares: Non-Finnish European, 0.00017%; no homozygotes.

Submission:

Ambry Genetics
Classification: Uncertain significance for Cardiovascular phenotype. Last evaluated: 2024-03-13. Review status: criteria provided, single submitter. Criteria: Ambry Variant Classification Scheme 2023. Collection method: clinical testing. Allele origin: germline.
Comment: The c.6441-4C>G intronic variant results from a C to G substitution 4 nucleotides upstream from coding exon 42 in the RYR2 gene. This nucleotide position is not well conserved in available vertebrate species. In silico splice site analysis for this alteration is inconclusive. Based on the available evidence, the clinical significance of this alteration remains unclear.